The following is an entry in ClinVar:

NM_000441.2(SLC26A4):c.1574C>T (p.Pro525Leu)

Gene: SLC26A4 (solute carrier family 26 member 4; plus strand). Cytogenetic location: 7q22.3.
Variant type: single nucleotide variant.
Coding change: c.1574C>T on transcript NM_000441.2 (MANE Select); coding-DNA position 1574, C replaced by T.
Protein change: p.Pro525Leu; replaces proline 525 with leucine.
Molecular consequence: missense variant.
Genome position (GRCh38, 1-based): chr7:107,698,071, C>T. VCF-style: chr7-107698071-C-T. GRCh37 (hg19) VCF-style: chr7-107338516-C-T.
Other names: c.1574C>T (NM_000441.1); short protein forms P525L.
Identifiers: ClinVar variation 1503547 (VCV001503547.20), dbSNP rs765197819, ClinGen allele CA4432872.

ClinVar aggregate classification (germline): Conflicting classifications of pathogenicity. Review status: criteria provided, conflicting classifications (1 of 4 stars). 12 submissions from 12 submitters: Pathogenic (2); Likely pathogenic (9); Uncertain significance (1). Last evaluated 2026-01-29.

Conditions:
SLC26A4-related disorder. Also called: SLC26A4-related condition; SLC26A4-related disorders.
Autosomal recessive nonsyndromic hearing loss 4 (DFNB4). Also called: FOXI1-Related Pendred Syndrome; KCNJ10-Related Pendred Syndrome; DEAFNESS, AUTOSOMAL RECESSIVE 4, WITH ENLARGED VESTIBULAR AQUEDUCT, DIGENIC; NEUROSENSORY NONSYNDROMIC RECESSIVE DEAFNESS 4; Deafness, autosomal recessive 4, with enlarged vestibular aqueduct; Nonsyndromic enlarged vestibular aqueduct (NSEVA). Identifiers: Orphanet 90636, MedGen C3538946, MONDO:0010933, OMIM 600791.
Pendred syndrome (PDS). Also called: DEAFNESS WITH GOITER; GOITER-DEAFNESS SYNDROME; HYPOTHYROIDISM, CONGENITAL, DUE TO DYSHORMONOGENESIS, 2B; THYROID DYSHORMONOGENESIS 2B; THYROID HORMONOGENESIS, GENETIC DEFECT IN, 2B; Pendred's syndrome. Identifiers: Orphanet 705, MedGen C0271829, MONDO:0010134, OMIM 274600.

gnomAD v4.1: 28 of 1,610,806 alleles (0.0017%); highest among the groups gnomAD compares: Middle Eastern, 0.033%; no homozygotes.

Submissions (12):

Myriad Genetics, Inc.
Classification: Likely pathogenic for Pendred syndrome. Last evaluated: 2026-01-29. Review status: criteria provided, single submitter. Criteria: Myriad Autosomal Dominant, Autosomal Recessive and X-Linked Classification Criteria (2023). Collection method: clinical testing. Allele origin: unknown.
Comment: NM_000441.1(SLC26A4):c.1574C>T(P525L) is a missense variant classified as likely pathogenic in the context of Pendred syndrome. P525L has been observed in cases with relevant disease (PMID: 40685639, 23336812, 28964290, 26445815). Relevant functional assessments of this variant are not available in the literature. P525L has been observed in referenced population frequency databases. In summary, NM_000441.1(SLC26A4):c.1574C>T(P525L) is a missense variant that has been observed more frequently in cases with the relevant disease than in healthy populations. Please note: this variant was assessed in the context of healthy population screening.

Genetics Research Center, University of Social Welfare and Rehabilitation Sciences
Classification: Likely pathogenic for Autosomal recessive nonsyndromic hearing loss 4. Last evaluated: 2025-12-09. Review status: criteria provided, single submitter. Criteria: ACMG Guidelines, 2015. Collection method: research. Allele origin: germline. Affected: yes.
Comment: This heterozygous variant is present at a very low frequency in the gnomAD v2.1.1 dataset (allele frequency: 0.001%) and has been reported in individual(s) affected with SLC26A4-related hearing loss (PMID:26445815; 23336812). We observed this variant in compound heterozygosity with the c.481T>A variant.

Victorian Clinical Genetics Services, Murdoch Childrens Research Institute
Classification: Pathogenic for Pendred syndrome. Last evaluated: 2025-10-14. Review status: criteria provided, single submitter. Criteria: ACMG Guidelines, 2015. Collection method: clinical testing. Allele origin: germline. Affected: yes.
Comment: This variant is classified as Pathogenic. Evidence in support of pathogenic classification: Variant is present in gnomAD <0.01 for a recessive condition (v4: 28 heterozygote(s), 0 homozygote(s)); This variant has strong previous evidence of pathogenicity in unrelated individuals. This variant has been classified as pathogenic, likely pathogenic and as a VUS by clinical laboratories in ClinVar, and reported in the literature in individuals with SLC26A4-related features (PMIDs: 28964290, 23336812, 40685639, 26445815). Additional information: Variant is predicted to result in a missense amino acid change from Pro to Leu; This variant is heterozygous; This gene is associated with autosomal recessive disease; Alternative amino acid change(s) at the same position are present in gnomAD (Highest allele count: v4: 2 heterozygote(s), 0 homozygote(s)); No published functional evidence has been identified for this variant; No comparable missense variants have previous evidence for pathogenicity; Variant is not located in an established domain, motif, hotspot or informative constraint region; Missense variant with inconclusive in silico prediction and uninformative conservation; Loss of function is a known mechanism of disease in this gene and is associated with deafness with enlarged vestibular aqueduct (MIM#600791) and Pendred syndrome (MIM#274600); Variants in this gene are known to have variable expressivity (PMID: 20301640); Inheritance information for this variant is not currently available in this individual.

First Genomix Gene Laboratory, Genetic Diagnostics Department
Classification: Likely pathogenic for Autosomal recessive nonsyndromic hearing loss 4; Pendred syndrome. Last evaluated: 2025-04-15. Review status: criteria provided, single submitter. Criteria: ACMG Guidelines, 2015. Collection method: clinical testing. Allele origin: germline. Inheritance: Autosomal recessive inheritance. Affected: no. Observed: 1 variant allele.

Fulgent Genetics
Classification: Likely pathogenic for Pendred syndrome; Autosomal recessive nonsyndromic hearing loss 4. Last evaluated: 2024-05-26. Review status: criteria provided, single submitter. Criteria: ACMG Guidelines, 2015. Collection method: clinical testing. Allele origin: germline.

Natera, Inc.
Classification: Likely pathogenic for Pendred syndrome. Last evaluated: 2024-04-24. Review status: criteria provided, single submitter. Criteria: Natera Variant Classification Schema (03/2026). Collection method: clinical testing. Allele origin: germline.
Comment: The c.1574C>T variant in SLC26A4 is a missense variant predicted to cause substitution of proline to leucine at amino acid 525. This variant is rare in the general population with a frequency below the threshold expected for the associated phenotype(s). This variant has been observed in one or more individuals affected with the associated recessive disease, as either homozygous or compound heterozygous with a second variant (PMID: 23336812, 28964290, 26445815). Computational prediction algorithms indicate this variant is likely to affect gene or protein function. Given the available evidence, this variant is classified as Likely Pathogenic.

Women's Health and Genetics/Laboratory Corporation of America, LabCorp
Classification: Uncertain significance. Last evaluated: 2024-04-15. Review status: criteria provided, single submitter. Criteria: LabCorp Variant Classification Summary - May 2015. Collection method: clinical testing. Allele origin: germline.
Comment: Variant summary: SLC26A4 c.1574C>T (p.Pro525Leu) results in a non-conservative amino acid change in the encoded protein sequence. Four of five in-silico tools predict a damaging effect of the variant on protein function. The variant allele was found at a frequency of 1.2e-05 in 251230 control chromosomes (gnomAD). c.1574C>T has been reported in the literature in individuals affected with Pendred Syndrome and/or hearing loss (e.g. Rendorff_2013, Sloan-Heggen_2015, Cengiz_2017). These data indicate that the variant may be associated with disease. To our knowledge, no experimental evidence demonstrating an impact on protein function has been reported. The following publications have been ascertained in the context of this evaluation (PMID: 28964290, 23336812, 26445815). ClinVar contains an entry for this variant (Variation ID: 1503547). Based on the evidence outlined above, the variant was classified as VUS-possibly pathogenic.

Baylor Genetics
Classification: Pathogenic for Autosomal recessive nonsyndromic hearing loss 4. Last evaluated: 2024-02-09. Review status: criteria provided, single submitter. Criteria: ACMG Guidelines, 2015. Collection method: clinical testing. Allele origin: unknown.

Blueprint Genetics
Classification: Likely pathogenic for SLC26A4-related disorders. Last evaluated: 2023-07-10. Review status: criteria provided, single submitter. Criteria: ACMG Guidelines, 2015. Collection method: clinical testing. Allele origin: germline. Affected: yes. Observed: 4 variant alleles.

Labcorp Genetics (formerly Invitae), Labcorp
Classification: Likely pathogenic. Last evaluated: 2023-05-20. Review status: criteria provided, single submitter. Criteria: Invitae Variant Classification Sherloc (09022015). Collection method: clinical testing. Allele origin: germline.
Comment: This sequence change replaces proline, which is neutral and non-polar, with leucine, which is neutral and non-polar, at codon 525 of the SLC26A4 protein (p.Pro525Leu). This variant is present in population databases (rs765197819, gnomAD 0.003%). This missense change has been observed in individuals with clinical features of Pendred syndrome as well as non-syndromic deafness (PMID: 23336812, 26445815). ClinVar contains an entry for this variant (Variation ID: 1503547). Advanced modeling of protein sequence and biophysical properties (such as structural, functional, and spatial information, amino acid conservation, physicochemical variation, residue mobility, and thermodynamic stability) performed at Invitae indicates that this missense variant is expected to disrupt SLC26A4 protein function. In summary, the currently available evidence indicates that the variant is pathogenic, but additional data are needed to prove that conclusively. Therefore, this variant has been classified as Likely Pathogenic.

Clinical Genetics Laboratory, Skane University Hospital Lund
Classification: Likely pathogenic. Last evaluated: 2022-10-19. Review status: criteria provided, single submitter. Criteria: ACMG Guidelines, 2015. Collection method: clinical testing. Allele origin: germline. Affected: yes.

Kariminejad - Najmabadi Pathology & Genetics Center
Classification: Likely pathogenic for Pendred syndrome. Review status: criteria provided, single submitter. Criteria: ACMG Guidelines, 2015. Collection method: clinical testing. Allele origin: germline. Affected: no.

Literature cited by the submitters: PubMed 23336812 (cited by 6 submitters); PubMed 26445815 (cited by 6 submitters); PubMed 28964290 (cited by 4 submitters); PubMed 40685639 (cited by Myriad Genetics, Inc. and Victorian Clinical Genetics Services, Murdoch Childrens Research Institute); PubMed 20301640 (cited by Victorian Clinical Genetics Services, Murdoch Childrens Research Institute).